The following is an entry in ClinVar:

ClinVar aggregate classification (germline): Pathogenic. Review status: criteria provided, multiple submitters, no conflicts (2 of 4 stars). 4 submissions from 4 submitters: Pathogenic (3). 1 of the submissions does not count toward it. Last evaluated 2026-06-18.

Conditions:
Nephronophthisis 16 (NPHP16). Identifiers: Orphanet 655, MedGen C3809320, MONDO:0014158, OMIM 615382.

Submissions (4):

Victorian Clinical Genetics Services, Murdoch Childrens Research Institute
Classification: Pathogenic for Nephronophthisis 16. Last evaluated: 2026-06-18. Review status: criteria provided, single submitter. Criteria: ACMG Guidelines, 2015. Collection method: clinical testing. Allele origin: germline. Affected: yes.
Comment: This variant is classified as Pathogenic. Evidence in support of pathogenic classification: Variant is predicted to cause nonsense-mediated decay (NMD) and loss of protein (premature termination codon is located at least 54 nucleotides upstream of the final exon-exon junction); Variant is present in gnomAD <0.01 for a recessive condition (v4: 34 heterozygote(s), 0 homozygote(s)); This variant has moderate previous evidence of pathogenicity in unrelated individuals. This variant has been classified as pathogenic in ClinVar by two clinical laboratories, and reported in the literature in a homozygous individual with nephrophthisis (PMID: 23793029); Other NMD predicted variants comparable to the one identified in this case have very strong previous evidence for pathogenicity (DECIPHER). Additional information: This variant is homozygous; This gene is associated with autosomal recessive disease; Loss of function is a known mechanism of disease in this gene and is associated with nephronophthisis 16 (MIM#615382); Inheritance information for this variant is not currently available in this individual.

Labcorp Genetics (formerly Invitae), Labcorp
Classification: Pathogenic for Nephronophthisis 16. Last evaluated: 2026-01-05. Review status: criteria provided, single submitter. Criteria: Invitae Variant Classification Sherloc (09022015). Collection method: clinical testing. Allele origin: germline.
Comment: This sequence change creates a premature translational stop signal (p.Tyr790*) in the ANKS6 gene. It is expected to result in an absent or disrupted protein product. Loss-of-function variants in ANKS6 are known to be pathogenic (PMID: 23793029, 25599650). This variant is present in population databases (rs587777025, gnomAD 0.007%). This premature translational stop signal has been observed in individual(s) with polycystic kidney disease (PMID: 23793029). ClinVar contains an entry for this variant (Variation ID: 64358). For these reasons, this variant has been classified as Pathogenic.

Fulgent Genetics
Classification: Pathogenic for Nephronophthisis 16. Last evaluated: 2021-09-08. Review status: criteria provided, single submitter. Criteria: ACMG Guidelines, 2015. Collection method: clinical testing. Allele origin: unknown.

OMIM
Classification: Pathogenic for NEPHRONOPHTHISIS 16. Last evaluated: 2013-08-01. Review status: no assertion criteria provided. Collection method: literature only. Allele origin: germline. Not counted in ClinVar's aggregate classification.

Literature cited by the submitters: PubMed 23793029 (cited by 3 submitters); PubMed 25599650 (cited by Labcorp Genetics (formerly Invitae), Labcorp).

NM_173551.5(ANKS6):c.2370_2372del (p.Tyr790_Gln791delinsTer)

Gene: ANKS6 (ankyrin repeat and sterile alpha motif domain containing 6; minus strand). Cytogenetic location: 9q22.33.
Variant type: Deletion.
Coding change: c.2370_2372del on transcript NM_173551.5 (MANE Select); coding-DNA positions 2370 to 2372, 3 bases deleted (TCA; older notation c.2370_2372delTCA).
Protein change: p.Tyr790_Gln791delinsTer.
Molecular consequence: nonsense.
Genome position (GRCh38, 1-based): chr9:98,751,051-98,751,053, TGA deleted on the plus strand (TCA on the coding strand, the reverse complement: ANKS6 is on the minus strand); deleting any 3 consecutive bases within chr9:98,751,051-98,751,054 gives the same sequence; the c. name uses the placement nearest the transcript's 3' end. VCF-style (leftmost placement, unchanged base first): chr9-98751050-CTGA-C. GRCh37 (hg19) VCF-style: chr9-101513332-CTGA-C.
Identifiers: ClinVar variation 64358 (VCV000064358.6), dbSNP rs587777025, ClinGen allele CA144687.